The following is an entry in ClinVar:

ClinVar aggregate classification (germline): Conflicting classifications of pathogenicity. Review status: criteria provided, conflicting classifications (1 of 4 stars). 2 submissions from 1 submitter: Uncertain significance (1); Likely benign (1). Last evaluated 2018-01-12.

Conditions:
Congenital myopathy 4B, autosomal recessive. Also called: Nemaline myopathy 1, autosomal dominant or recessive. Identifiers: Orphanet 171433, Orphanet 171439, Orphanet 171881, MedGen C5829889, MONDO:0012239, OMIM 609284.
Congenital myopathy with fiber type disproportion. Also called: Congenital fiber-type disproportion myopathy; Congenital fiber-type disproportion. Identifiers: Orphanet 2020, MedGen C0546264, MONDO:0009711. Inheritance: all.

Allele frequency attached by ClinVar (database versions not stated): 1000 Genomes Project 0.00200; TOPMed 0.00008; gnomAD 0.00034 and 0.00001; 1000 Genomes Project 30x 0.00187; gnomAD exomes 0.00021.
gnomAD v4.1: 177 of 709,644 alleles (0.025%); highest among the groups gnomAD compares: South Asian, 1%; 1 homozygote.

Submissions (2):

Illumina Laboratory Services, Illumina
Classification: Likely benign for Congenital myopathy 4A, autosomal dominant. Last evaluated: 2018-01-12. Review status: criteria provided, single submitter. Criteria: ICSL Variant Classification Criteria 13 December 2019. Collection method: clinical testing. Allele origin: germline.
Comment: This variant was observed in the ICSL laboratory as part of a predisposition screen in an ostensibly healthy population. It had not been previously curated by ICSL or reported in the Human Gene Mutation Database (HGMD: prior to June 1st, 2018), and was therefore a candidate for classification through an automated scoring system. Utilizing variant allele frequency, disease prevalence and penetrance estimates, and inheritance mode, an automated score was calculated to assess if this variant is too frequent to cause the disease. Based on the score and internal cut-off values, a variant classified as likely benign is not then subjected to further curation. The score for this variant resulted in a classification of likely benign for this disease.

Illumina Laboratory Services, Illumina
Classification: Uncertain significance for Congenital myopathy 4B, autosomal recessive. Last evaluated: 2018-01-12. Review status: criteria provided, single submitter. Criteria: ICSL Variant Classification Criteria 13 December 2019. Collection method: clinical testing. Allele origin: germline.

NM_152263.4(TPM3):c.*1152C>T

Gene: TPM3 (tropomyosin 3; minus strand). Cytogenetic location: 1q21.3.
Variant type: single nucleotide variant.
Coding change: c.*1152C>T on transcript NM_152263.4 (MANE Select); 1152 bases downstream of the stop codon, C replaced by T.
Molecular consequence: 3 prime UTR variant. On other transcripts: intron variant (12).
Genome position (GRCh38, 1-based): chr1:154,166,785, G>A on the plus strand (C>T on the coding strand, the complement: TPM3 is on the minus strand). VCF-style: chr1-154166785-G-A. GRCh37 (hg19) VCF-style: chr1-154139261-G-A.
Other names: c.*1152C>T (NM_001364682.1, NM_001364683.1); c.775+3615C>T (NM_001364679.2, NM_001364681.2, NM_001364680.2); c.466+3615C>T (NM_001278188.2); c.664+3615C>T (NM_001043351.2, NM_001043353.2, NM_153649.4 and 1 more transcripts); c.743+2520C>T (NM_001349679.2, NM_001278189.2); c.601+3615C>T (NM_001278190.2); c.394+3615C>T (NM_001278191.2).
Identifiers: ClinVar variation 292679 (VCV000292679.5), dbSNP rs535068015, ClinGen allele CA10607729.
Genomic context (GRCh38, chr1:154,166,785, plus strand): 5'-AGGCTGGAATGCAGTGGCGCGATCTCCGCTCACTGCAACCTCCGCCTCCCAGGTGCAAGC[G>A]ATTCTCCTGCCTCAGCCTCCCGAGTAGCTGGGATTACAGGCACCCACCCACCATGCCCAG-3'